The following is an entry in ClinVar:

NM_000481.4(AMT):c.1142G>A (p.Arg381Gln)

Gene: AMT (aminomethyltransferase; minus strand). Cytogenetic location: 3p21.31.
Variant type: single nucleotide variant.
Coding change: c.1142G>A on transcript NM_000481.4 (MANE Select); coding-DNA position 1142, G replaced by A.
Protein change: p.Arg381Gln; replaces arginine 381 with glutamine.
Molecular consequence: missense variant. On other transcripts: non-coding transcript variant (1), intron variant (1).
Genome position (GRCh38, 1-based): chr3:49,417,610, C>T on the plus strand (G>A on the coding strand, the complement: AMT is on the minus strand). VCF-style: chr3-49417610-C-T. GRCh37 (hg19) VCF-style: chr3-49455043-C-T.
Other names: c.1010G>A, p.Arg337Gln (NM_001164710.2); c.974G>A, p.Arg325Gln (NM_001164711.2); c.1137+5G>A (NM_001164712.2); short protein forms R337Q, R381Q, R325Q.
Identifiers: ClinVar variation 2044611 (VCV002044611.4), dbSNP rs771853703, ClinGen allele CA2398134.
Genomic context (GRCh38, chr3:49,417,610, plus strand): 5'-GTATAGTAGTTTGTGGGCACAAAGGGCATCTTGCTGACTACAGCCATCTGCTGCTTCCGC[C>T]GCACCTCTACCAGCAGCATTGTCCCTGGACGACTGTACTCGCAGGGCACATAACCCATCG-3'
Protein context (NP_000472.2, residues 371-391): RPGTMLLVEV[Arg381Gln]RKQQMAVVSK

ClinVar aggregate classification (germline): Uncertain significance. Review status: criteria provided, multiple submitters, no conflicts (2 of 4 stars). 4 submissions from 4 submitters: Uncertain significance (4). Last evaluated 2025-05-07.

Conditions:
Inborn genetic diseases. Identifiers: MedGen C0950123, MeSH D030342.
Glycine encephalopathy. Also called: Nonketotic hyperglycinemia; Non-ketotic hyperglycinemia. Identifiers: Orphanet 407, MedGen C0751748, MONDO:0011612, HP:0008288.

Allele frequency attached by ClinVar (database versions not stated): ExAC 0.00002; gnomAD exomes 0.00002; TOPMed 0.00002; gnomAD 0.00003.

Submissions (4):

Ambry Genetics
Classification: Uncertain significance for Inborn genetic diseases. Last evaluated: 2025-05-07. Review status: criteria provided, single submitter. Criteria: Ambry Variant Classification Scheme 2023. Collection method: clinical testing. Allele origin: germline.

Women's Health and Genetics/Laboratory Corporation of America, LabCorp
Classification: Uncertain significance. Last evaluated: 2024-06-17. Review status: criteria provided, single submitter. Criteria: LabCorp Variant Classification Summary - May 2015. Collection method: clinical testing. Allele origin: germline.

Labcorp Genetics (formerly Invitae), Labcorp
Classification: Uncertain significance for Glycine encephalopathy. Last evaluated: 2022-03-23. Review status: criteria provided, single submitter. Criteria: Invitae Variant Classification Sherloc (09022015). Collection method: clinical testing. Allele origin: germline.
Comment: This sequence change replaces arginine, which is basic and polar, with glutamine, which is neutral and polar, at codon 381 of the AMT protein (p.Arg381Gln). This variant is present in population databases (rs771853703, gnomAD 0.005%). This variant has not been reported in the literature in individuals affected with AMT-related conditions. Algorithms developed to predict the effect of missense changes on protein structure and function are either unavailable or do not agree on the potential impact of this missense change (SIFT: "Tolerated"; PolyPhen-2: "Probably Damaging"; Align-GVGD: "Class C0"). In summary, the available evidence is currently insufficient to determine the role of this variant in disease. Therefore, it has been classified as a Variant of Uncertain Significance.

Blueprint Genetics
Classification: Uncertain significance. Last evaluated: 2018-01-04. Review status: criteria provided, single submitter. Criteria: ACMG Guidelines, 2015. Collection method: clinical testing. Allele origin: germline.